The following is an entry in ClinVar:

NM_130468.4(CHST14):c.34C>T (p.Pro12Ser)

Genes: CHST14 (carbohydrate sulfotransferase 14; plus strand), LOC130056851 (ATAC-STARR-seq lymphoblastoid silent region 6336; plus strand). Cytogenetic location: 15q15.1.
Variant type: single nucleotide variant.
Coding change: c.34C>T on transcript NM_130468.4 (MANE Select); coding-DNA position 34, C replaced by T.
Protein change: p.Pro12Ser; replaces proline 12 with serine.
Molecular consequence: missense variant.
Genome position (GRCh38, 1-based): chr15:40,471,247, C>T. VCF-style: chr15-40471247-C-T. GRCh37 (hg19) VCF-style: chr15-40763446-C-T.
Other names: short protein forms P12S.
Identifiers: ClinVar variation 1732048 (VCV001732048.2), dbSNP rs2543005170, ClinGen allele CA391761848.

ClinVar aggregate classification (germline): Uncertain significance (1 of 4 stars; one submission).

Conditions:
Cardiovascular phenotype. Identifiers: MedGen CN230736.

Submission:

Ambry Genetics
Classification: Uncertain significance for Cardiovascular phenotype. Last evaluated: 2021-09-09. Review status: criteria provided, single submitter. Criteria: Ambry Variant Classification Scheme 2023. Collection method: clinical testing. Allele origin: germline.
Comment: The p.P12S variant (also known as c.34C>T), located in coding exon 1 of the CHST14 gene, results from a C to T substitution at nucleotide position 34. The proline at codon 12 is replaced by serine, an amino acid with similar properties. This amino acid position is conserved. In addition, this alteration is predicted to be tolerated by in silico analysis. Since supporting evidence is limited at this time, the clinical significance of this alteration remains unclear.